The following is an entry in ClinVar:

ClinVar aggregate classification (germline): Uncertain significance. Review status: criteria provided, multiple submitters, no conflicts (2 of 4 stars). 2 submissions from 2 submitters: Uncertain significance (2). Last evaluated 2026-05-26.

Conditions:
NTRK2-related disorder. Also called: NTRK2-related condition.

Allele frequency attached by ClinVar (database versions not stated): gnomAD exomes below 0.00001; ExAC 0.00001; gnomAD 0.00001; TOPMed 0.00001.
gnomAD v4.1: 11 of 1,613,640 alleles (0.00068%); highest among the groups gnomAD compares: East Asian, 0.0067%; no homozygotes.

Submissions (2):

PreventionGenetics, part of Exact Sciences
Classification: Uncertain significance for NTRK2-related condition. Last evaluated: 2026-05-26. Review status: criteria provided, single submitter. Criteria: ACMG Guidelines, 2015. Collection method: clinical testing. Allele origin: germline.
Comment: The NTRK2 c.1229C>A variant is predicted to result in the amino acid substitution p.Thr410Asn. To our knowledge, this variant has not been reported in the literature. This variant is reported in 0.00088% of alleles in individuals of European (Non-Finnish) descent in gnomAD. At this time, the clinical significance of this variant is uncertain due to the absence of conclusive functional and genetic evidence.

Labcorp Genetics (formerly Invitae), Labcorp
Classification: Uncertain significance. Last evaluated: 2025-07-13. Review status: criteria provided, single submitter. Criteria: Invitae Variant Classification Sherloc (09022015). Collection method: clinical testing. Allele origin: germline.
Comment: This sequence change replaces threonine, which is neutral and polar, with asparagine, which is neutral and polar, at codon 410 of the NTRK2 protein (p.Thr410Asn). This variant is present in population databases (rs774034569, gnomAD 0.0009%). This variant has not been reported in the literature in individuals affected with NTRK2-related conditions. ClinVar contains an entry for this variant (Variation ID: 2177955). Invitae Evidence Modeling of protein sequence and biophysical properties (such as structural, functional, and spatial information, amino acid conservation, physicochemical variation, residue mobility, and thermodynamic stability) indicates that this missense variant is expected to disrupt NTRK2 protein function with a positive predictive value of 95%. In summary, the available evidence is currently insufficient to determine the role of this variant in disease. Therefore, it has been classified as a Variant of Uncertain Significance.

NM_006180.6(NTRK2):c.1229C>A (p.Thr410Asn)

Gene: NTRK2 (neurotrophic receptor tyrosine kinase 2; plus strand). Cytogenetic location: 9q21.33.
Variant type: single nucleotide variant.
Coding change: c.1229C>A on transcript NM_006180.6 (MANE Select); coding-DNA position 1229, C replaced by A.
Protein change: p.Thr410Asn; replaces threonine 410 with asparagine.
Molecular consequence: missense variant.
Genome position (GRCh38, 1-based): chr9:84,745,006, C>A. VCF-style: chr9-84745006-C-A. GRCh37 (hg19) VCF-style: chr9-87359921-C-A.
Other names: c.1229C>A (NM_006180.4); c.1229C>A, p.Thr410Asn (NM_001369539.1, NM_001369540.1, NM_001369541.1 and 16 more transcripts); c.1190C>A, p.Thr397Asn (NM_001369546.1, NM_001291937.2); c.1193C>A, p.Thr398Asn (NM_001369534.1); c.761C>A, p.Thr254Asn (NM_001369535.1, NM_001369536.1, NM_001369550.1 and 2 more transcripts); short protein forms T398N, T254N, T397N, T410N.
Identifiers: ClinVar variation 2177955 (VCV002177955.6), dbSNP rs774034569, ClinGen allele CA5105680.
Genomic context (GRCh38, chr9:84,745,006, plus strand): 5'-TCCTCATTCCCCCTTTGCCCACTTAAGATTATGGAACTGCAGCGAATGACATCGGGGACA[C>A]CACGAACAGAAGTAATGAAATCCCTTCCACAGACGTCACTGATAAAACCGGTCGGGAACA-3'
Protein context (NP_006171.2, residues 400-420): YGTAANDIGD[Thr410Asn]TNRSNEIPST